The following is an entry in ClinVar:

NM_001276345.2(TNNT2):c.218C>A (p.Ser73Tyr)

Gene: TNNT2 (troponin T2, cardiac type; minus strand). Cytogenetic location: 1q32.1.
Variant type: single nucleotide variant.
Coding change: c.218C>A on transcript NM_001276345.2 (MANE Select); coding-DNA position 218, C replaced by A.
Protein change: p.Ser73Tyr; replaces serine 73 with tyrosine.
Molecular consequence: missense variant.
Genome position (GRCh38, 1-based): chr1:201,366,853, G>T on the plus strand (C>A on the coding strand, the complement: TNNT2 is on the minus strand). VCF-style: chr1-201366853-G-T. GRCh37 (hg19) VCF-style: chr1-201335981-G-T.
Other names: c.218C>A, p.Ser73Tyr (NM_000364.4, NM_001406723.1); c.188C>A, p.Ser63Tyr (NM_001001430.3, NM_001001431.3, NM_001276347.2 and 3 more transcripts); c.173C>A, p.Ser58Tyr (NM_001001432.3, NM_001406728.1); c.215C>A, p.Ser72Tyr (NM_001276346.2); c.185C>A, p.Ser62Tyr (NM_001406725.1); short protein forms S63Y, S72Y, S58Y, S62Y, S73Y.
Identifiers: ClinVar variation 2951705 (VCV002951705.3), dbSNP rs2527051673, ClinGen allele CA344206782.
Genomic context (GRCh38, chr1:201,366,853, plus strand): 5'-CCTGAGCCTCTGCTCCCGGCTCTACCCAGGTGCCTCCCCACTCACCTGGGCTTTGGTTTG[G>T]ACTCCTCCATTGGGCCATCTGGAGGAGATAGAAGCACACAGCCATGGGTCAGGGGGCCCC-3'
Protein context (NP_001263274.1, residues 63-83): KEAEDGPMEE[Ser73Tyr]KPKPRSFMPN

ClinVar aggregate classification (germline): Uncertain significance (1 of 4 stars; one submission).

Conditions:
Dilated cardiomyopathy 1D. Identifiers: Orphanet 154, Orphanet 54260, MedGen C1832243, MONDO:0011095, OMIM 601494.
Cardiomyopathy, familial restrictive, 3. Identifiers: Orphanet 75249, MedGen C2676271, MONDO:0012900, OMIM 612422.
Hypertrophic cardiomyopathy 2. Also called: TNNT2-Related Familial Hypertrophic Cardiomyopathy. Identifiers: MedGen C1861864, MONDO:0007266, OMIM 115195.

Submission:

Labcorp Genetics (formerly Invitae), Labcorp
Classification: Uncertain significance for Cardiomyopathy, familial restrictive, 3; Hypertrophic cardiomyopathy 2; Dilated cardiomyopathy 1D. Last evaluated: 2023-09-08. Review status: criteria provided, single submitter. Criteria: Invitae Variant Classification Sherloc (09022015). Collection method: clinical testing. Allele origin: germline.
Comment: In summary, the available evidence is currently insufficient to determine the role of this variant in disease. Therefore, it has been classified as a Variant of Uncertain Significance. Advanced modeling of protein sequence and biophysical properties (such as structural, functional, and spatial information, amino acid conservation, physicochemical variation, residue mobility, and thermodynamic stability) has been performed at Invitae for this missense variant, however the output from this modeling did not meet the statistical confidence thresholds required to predict the impact of this variant on TNNT2 protein function. This variant has not been reported in the literature in individuals affected with TNNT2-related conditions. This variant is not present in population databases (gnomAD no frequency). This sequence change replaces serine, which is neutral and polar, with tyrosine, which is neutral and polar, at codon 63 of the TNNT2 protein (p.Ser63Tyr).